The following is an entry in ClinVar:

NM_174936.4(PCSK9):c.1707G>A (p.Glu569=)

Gene: PCSK9 (proprotein convertase subtilisin/kexin type 9; plus strand). Cytogenetic location: 1p32.3.
Variant type: single nucleotide variant.
Coding change: c.1707G>A on transcript NM_174936.4 (MANE Select); coding-DNA position 1707, G replaced by A.
Protein change: p.Glu569=; no amino-acid change (glutamic acid 569 retained).
Molecular consequence: synonymous variant. On other transcripts: non-coding transcript variant (8).
Genome position (GRCh38, 1-based): chr1:55,061,400, G>A. VCF-style: chr1-55061400-G-A. GRCh37 (hg19) VCF-style: chr1-55527073-G-A.
Other names: c.1830G>A, p.Glu610= (NM_001407240.1); c.1749G>A, p.Glu583= (NM_001407241.1); c.1710G>A, p.Glu570= (NM_001407242.1); c.1650G>A, p.Glu550= (NM_001407243.1); c.1533G>A, p.Glu511= (NM_001407244.1); c.1515G>A, p.Glu505= (NM_001407245.1); c.1332G>A, p.Glu444= (NM_001407246.1); c.1206G>A, p.Glu402= (NM_001407247.1).
Identifiers: ClinVar variation 630167 (VCV000630167.10), dbSNP rs766827854, ClinGen allele CA038629.
Genomic context (GRCh38, chr1:55,061,400, plus strand): 5'-CATTTCACATCTGAGCTGGCTTTCCTCTGCCCCAGGCTGCAGCTCCCACTGGGAGGTGGA[G>A]GACCTTGGCACCCACAAGCCGCCTGTGCTGAGGCCACGAGGTCAGCCCAACCAGTGCGTG-3'
Protein context (NP_777596.2, residues 559-579): LTGCSSHWEV[Glu569=]DLGTHKPPVL

ClinVar aggregate classification (germline): Likely benign. Review status: criteria provided, multiple submitters, no conflicts (2 of 4 stars). 4 submissions from 4 submitters: Likely benign (4). Last evaluated 2024-11-12.

Conditions:
Cardiovascular phenotype. Identifiers: MedGen CN230736.
Familial hypercholesterolemia. Also called: Familial hypercholesterolemias; Familial hypercholesterolaemia. Identifiers: MedGen C0020445, MONDO:0005439.
Hypercholesterolemia, autosomal dominant, 3 (FHCL3). Also called: Familial Hypercholesterolemia, Autosomal Dominant, 3; PCSK9-Related Familial Hypercholesterolemia, Autosomal Dominant; Familial hypercholesterolemia 3. Identifiers: MedGen C1863551, MONDO:0011369, OMIM 603776.

Allele frequency attached by ClinVar (database versions not stated): gnomAD exomes below 0.00001; ExAC 0.00001; gnomAD 0.00001; TOPMed 0.00002.

Submissions (4):

Labcorp Genetics (formerly Invitae), Labcorp
Classification: Likely benign for Hypercholesterolemia, autosomal dominant, 3. Last evaluated: 2024-11-12. Review status: criteria provided, single submitter. Criteria: Invitae Variant Classification Sherloc (09022015). Collection method: clinical testing. Allele origin: germline.

All of Us Research Program, National Institutes of Health
Classification: Likely benign for Hypercholesterolemia, autosomal dominant, 3. Last evaluated: 2024-04-16. Review status: criteria provided, single submitter. Criteria: ACMG Guidelines, 2015. Collection method: clinical testing. Allele origin: germline. Inheritance: Autosomal dominant inheritance. Observed: 3 variant alleles, 3 heterozygotes.
Comment: This study involves interpretation of variants in research participants for the purpose of population health screening. Participant phenotype was not available at the time of variant classification. Additional details can be found in publication PMID: 35346344, PMCID: PMC8962531

Ambry Genetics
Classification: Likely benign for Cardiovascular phenotype. Last evaluated: 2019-12-19. Review status: criteria provided, single submitter. Criteria: Ambry Variant Classification Scheme 2023. Collection method: clinical testing. Allele origin: germline.

Color Diagnostics, LLC DBA Color Health
Classification: Likely benign for Familial hypercholesterolemias. Last evaluated: 2018-04-20. Review status: criteria provided, single submitter. Criteria: ACMG Guidelines, 2015. Collection method: clinical testing. Allele origin: germline.